The following is an entry in ClinVar:

ClinVar aggregate classification (germline): Benign. Review status: criteria provided, multiple submitters, no conflicts (2 of 4 stars). 3 submissions from 3 submitters: Benign (3). Last evaluated 2024-07-31.

Allele frequency attached by ClinVar (database versions not stated): TOPMed 0.96754; 1000 Genomes Project 30x 0.96783; gnomAD 0.96934 and 0.97142; 1000 Genomes Project 0.96985; gnomAD exomes 0.99722.
gnomAD v4.1: 1,447,048 of 1,455,176 alleles (99%); highest among the groups gnomAD compares: East Asian, 100%; 719,833 homozygotes.

Submissions (3):

Unidad de Genómica Garrahan, Hospital de Pediatría Garrahan
Classification: Benign. Last evaluated: 2024-07-31. Review status: criteria provided, single submitter. Criteria: ACMG Guidelines, 2015. Collection method: clinical testing. Allele origin: germline. Affected: no. Observed: 27 variant alleles.
Comment: This variant is classified as Benign based on local population frequency. This variant was detected in 29% of patients studied in a panel designed for Epileptic and Developmental Encephalopathy, Progressive Myoclonus Epilepsy and Abnormal Movements and Neurodegeneration with brain iron accumulation. Number of patients: 27. Only high quality variants are reported.

GeneDx
Classification: Benign. Last evaluated: 2018-06-25. Review status: criteria provided, single submitter. Criteria: GeneDx Variant Classification Process June 2021. Collection method: clinical testing. Allele origin: germline. Affected: yes.

Breakthrough Genomics
Classification: Benign. Review status: criteria provided, single submitter. Criteria: ACMG Guidelines, 2015. Collection method: not provided. Allele origin: germline. Inheritance: Autosomal dominant inheritance. Affected: yes.

NM_001130438.3(SPTAN1):c.1086-83A>G

Gene: SPTAN1 (spectrin alpha, non-erythrocytic 1; plus strand). Cytogenetic location: 9q34.11.
Variant type: single nucleotide variant.
Coding change: c.1086-83A>G on transcript NM_001130438.3 (MANE Select); 83 bases into the intron before coding-DNA position 1086, A replaced by G.
Molecular consequence: intron variant.
Genome position (GRCh38, 1-based): chr9:128,578,027, A>G. VCF-style: chr9-128578027-A-G. GRCh37 (hg19) VCF-style: chr9-131340306-A-G.
Other names: c.1122-83A>G (NM_001375318.1, NM_001375312.2); c.1086-83A>G (NM_001375311.2, NM_001375314.2, NM_001375310.1 and 5 more transcripts).
Identifiers: ClinVar variation 1290912 (VCV001290912.5), dbSNP rs4837280, ClinGen allele CA200375558.